The following continues an entry in ClinVar:

NM_000277.3(PAH):c.1045T>C (p.Ser349Pro)

Gene: PAH. ClinVar aggregate classification (germline): Pathogenic/Likely pathogenic. Pathogenic (14); Likely pathogenic (1).

Submissions 14 to 17 of 17:

Illumina Laboratory Services, Illumina
Classification: Pathogenic for Phenylketonuria. Last evaluated: 2017-04-28. Review status: criteria provided, single submitter. Criteria: ICSL Variant Classification Criteria 09 May 2019. Collection method: clinical testing. Allele origin: germline.
Comment: Across a selection of the available literature, the PAH c.1045T>C (p.Ser349Pro) missense variant has been identified in a total of 41 individuals with phenylalanine hydroxylase deficiency, including in a homozygous state in four patients, in a compound heterozygous state in 39 patients, and in a heterozygous state in one patient (Forrest et al. 1991; John et al. 1992; Weinstein et al. 1993; Knappskog et al. 1995; Romano et al. 1996; Vela-Amieva et al. 2015; AldÃ¡miz-EchevarrÃ­a et al. 2016). The variant was also identified in an additional eight alleles of unknown zygosity (ZurflÃ¼h et al. 2008; Couce et al. 2013). The p.Ser349Pro variant was absent from 152 control individuals but is reported at an allele frequency of 0.00005 in the European (non-Finnish) population of the Exome Aggregation Consortium. The p.Ser349Pro variant is associated with a severe phenotype and results in significantly reduced PAH activity levels of between 0% and 1.2%, and immunoreactivity levels of between 0% and 2.0% compared to wild type (Forrest et al. 1991; Weinstein et al. 1993; Knappskog et al. 1995; Romano et al. 1996). Based on the collective evidence, the p.Ser349Pro variant is classified as pathogenic for phenylalanine hydroxylase deficiency. This variant was observed by ICSL as part of a predisposition screen in an ostensibly healthy population.

Clinical Genetics Service, Universitary Hospital 12 de Octubre
Classification: Pathogenic for Phenylketonuria. Review status: criteria provided, single submitter. Criteria: ACMG Guidelines, 2015. Collection method: clinical testing. Allele origin: germline. Affected: yes.

OMIM
Classification: Pathogenic for PHENYLKETONURIA. Last evaluated: 1991-07-01. Review status: no assertion criteria provided. Collection method: literature only. Allele origin: germline. Not counted in ClinVar's aggregate classification.

DeBelle Laboratory for Biochemical Genetics, MUHC/MCH RESEARCH INSTITUTE
No classification provided. Review status: no classification provided. Collection method: not provided. Allele origin: not provided. Not counted in ClinVar's aggregate classification.

Literature cited by the submitters: PubMed 2063869 (cited by 3 submitters); PubMed 7860062 (cited by Labcorp Genetics (formerly Invitae), Labcorp and Illumina Laboratory Services, Illumina); PubMed 8268925 (cited by Labcorp Genetics (formerly Invitae), Labcorp); PubMed 8659548 (cited by Labcorp Genetics (formerly Invitae), Labcorp); PubMed 9399896 (cited by Labcorp Genetics (formerly Invitae), Labcorp); PubMed 9781015 (cited by Labcorp Genetics (formerly Invitae), Labcorp); PubMed 10479481 (cited by Labcorp Genetics (formerly Invitae), Labcorp); PubMed 17096675 (cited by Labcorp Genetics (formerly Invitae), Labcorp); PubMed 17935162 (cited by 5 submitters); PubMed 18294361 (cited by Labcorp Genetics (formerly Invitae), Labcorp); PubMed 23500595 (cited by 4 submitters); PubMed 23514811 (cited by Labcorp Genetics (formerly Invitae), Labcorp and Women's Health and Genetics/Laboratory Corporation of America, LabCorp); PubMed 8095248 (cited by 3 submitters); PubMed 16256386 (cited by Labcorp Genetics (formerly Invitae), Labcorp); PubMed 24705691 (cited by Labcorp Genetics (formerly Invitae), Labcorp); PubMed 26666653 (cited by Labcorp Genetics (formerly Invitae), Labcorp); PubMed 27264808 (cited by Labcorp Genetics (formerly Invitae), Labcorp); PubMed 27121329 (cited by 3 submitters); PubMed 36537053 (cited by Mayo Clinic Laboratories, Mayo Clinic); PubMed 22513348 (cited by Myriad Genetics, Inc.); PubMed 1301193 (cited by Myriad Genetics, Inc. and Illumina Laboratory Services, Illumina); PubMed 21953985 (cited by Myriad Genetics, Inc.); PubMed 24941924 (cited by Illumina Laboratory Services, Illumina); PubMed 8830172 (cited by Illumina Laboratory Services, Illumina).